The following is an entry in ClinVar:

NM_000051.4(ATM):c.8078C>G (p.Ala2693Gly)

Genes: ATM (ATM serine/threonine kinase; plus strand), C11orf65 (chromosome 11 open reading frame 65; minus strand). Cytogenetic location: 11q22.3.
Variant type: single nucleotide variant.
Coding change: c.8078C>G on transcript NM_000051.4 (MANE Select); coding-DNA position 8078, C replaced by G.
Protein change: p.Ala2693Gly; replaces alanine 2693 with glycine.
Molecular consequence: missense variant. On other transcripts: intron variant (2).
Genome position (GRCh38, 1-based): chr11:108,335,036, C>G. VCF-style: chr11-108335036-C-G. GRCh37 (hg19) VCF-style: chr11-108205763-C-G.
Other names: c.8078C>G, p.Ala2693Gly (NM_001351834.2); c.641-25965G>C (NM_001330368.2); c.*38+184G>C (NM_001351110.2); short protein forms A2693G.
Identifiers: ClinVar variation 4804369 (VCV004804369.1).

ClinVar aggregate classification (germline): Uncertain significance (1 of 4 stars; one submission).

Conditions:
Ataxia-telangiectasia syndrome (AT). Also called: LOUIS-BAR SYNDROME; Cerebello-oculocutaneous telangiectasia; Immunodeficiency with ataxia telangiectasia; Ataxia-telangiectasia, complementation group D; AT, COMPLEMENTATION GROUP C; ATAXIA-TELANGIECTASIA, COMPLEMENTATION GROUP A. Identifiers: Orphanet 100, MedGen C0004135, MONDO:0008840, OMIM 208900.

Submission:

Labcorp Genetics (formerly Invitae), Labcorp
Classification: Uncertain significance for Ataxia-telangiectasia syndrome. Last evaluated: 2025-11-10. Review status: criteria provided, single submitter. Criteria: Invitae Variant Classification Sherloc (09022015). Collection method: clinical testing. Allele origin: germline.
Comment: This sequence change replaces alanine, which is neutral and non-polar, with glycine, which is neutral and non-polar, at codon 2693 of the ATM protein (p.Ala2693Gly). This variant is not present in population databases (gnomAD no frequency). This variant has not been reported in the literature in individuals affected with ATM-related conditions. Invitae Evidence Modeling of protein sequence and biophysical properties (such as structural, functional, and spatial information, amino acid conservation, physicochemical variation, residue mobility, and thermodynamic stability) has been performed for this missense variant. However, the output from this modeling did not meet the statistical confidence thresholds required to predict the impact of this variant on ATM protein function. In summary, the available evidence is currently insufficient to determine the role of this variant in disease. Therefore, it has been classified as a Variant of Uncertain Significance.